The following is an entry in ClinVar:

ClinVar aggregate classification (germline): Uncertain significance. Review status: criteria provided, single submitter (1 of 4 stars). 2 submissions from 2 submitters: Uncertain significance (1). 1 of the submissions does not count toward it. Last evaluated 2026-03-20.

Conditions:
EHHADH-related disorder. Also called: EHHADH-related condition.

Submissions (2):

PreventionGenetics, part of Exact Sciences
Classification: Uncertain significance for EHHADH-related condition. Last evaluated: 2026-03-20. Review status: criteria provided, single submitter. Criteria: ACMG Guidelines, 2015. Collection method: clinical testing. Allele origin: germline.
Comment: The EHHADH c.586delC variant is predicted to result in a frameshift and premature protein termination (p.Arg196Valfs*23). To our knowledge, this variant has not been reported in the literature or in a large population database (gnomAD), indicating this variant is rare. At this time, the clinical significance of this variant is uncertain due to the absence of conclusive functional and genetic evidence.

Gharavi Laboratory, Columbia University
Classification: Uncertain significance. Last evaluated: 2018-09-16. Review status: no assertion criteria provided. Criteria: ACMG Guidelines, 2015. Collection method: research. Allele origin: germline. Affected: yes. Not counted in ClinVar's aggregate classification.

NM_001966.4(EHHADH):c.586del (p.Arg196fs)

Gene: EHHADH (enoyl-CoA hydratase and 3-hydroxyacyl CoA dehydrogenase; minus strand). Cytogenetic location: 3q27.2.
Variant type: Deletion.
Coding change: c.586del on transcript NM_001966.4 (MANE Select); coding-DNA position 586, one base deleted (C; older notation c.586delC).
Protein change: p.Arg196fs; shifts the reading frame from arginine 196.
Molecular consequence: frameshift variant.
Genome position (GRCh38, 1-based): chr3:185,204,740, G deleted on the plus strand (C on the coding strand, the reverse complement: EHHADH is on the minus strand); the first of 3 consecutive G bases (chr3:185,204,740-185,204,742); deleting any one gives the same sequence. VCF-style (leftmost placement, unchanged base first): chr3-185204739-CG-C. GRCh37 (hg19) VCF-style: chr3-184922527-CG-C.
Other names: c.298del, p.Arg100fs (NM_001166415.2); c.586delC (NM_001966.3); short protein forms R100fs, R196fs.
Identifiers: ClinVar variation 591973 (VCV000591973.2), dbSNP rs1375541639, ClinGen allele CA891862683.